The following is an entry in ClinVar:

ClinVar aggregate classification (germline): Likely benign (0 of 4 stars; one submission).

Conditions:
PI4KA-related disorder. Also called: PI4KA-related disorders; PI4KA-related condition. Identifiers: MedGen CN378147, MONDO:1040012.

Submission:

PreventionGenetics, part of Exact Sciences
Classification: Likely benign for PI4KA-related condition. Last evaluated: 2022-04-19. Review status: no assertion criteria provided. Collection method: clinical testing. Allele origin: germline.
Comment: This variant is classified as likely benign based on ACMG/AMP sequence variant interpretation guidelines (Richards et al. 2015 PMID: 25741868, with internal and published modifications).

NM_058004.4(PI4KA):c.9G>C (p.Ala3=)

Gene: PI4KA (phosphatidylinositol 4-kinase alpha; minus strand). Cytogenetic location: 22q11.21.
Variant type: single nucleotide variant.
Coding change: c.9G>C on transcript NM_058004.4 (MANE Select); coding-DNA position 9, G replaced by C.
Protein change: p.Ala3=; no amino-acid change (alanine 3 retained).
Molecular consequence: synonymous variant.
Genome position (GRCh38, 1-based): chr22:20,858,717, C>G on the plus strand (G>C on the coding strand, the complement: PI4KA is on the minus strand). VCF-style: chr22-20858717-C-G. GRCh37 (hg19) VCF-style: chr22-21213005-C-G.
Other names: c.9G>C, p.Ala3= (NM_001362862.2, NM_001362863.2).
Identifiers: ClinVar variation 3051437 (VCV003051437.2), dbSNP rs1927991868, ClinGen allele CA513481433.
Genomic context (GRCh38, chr22:20,858,717, plus strand): 5'-GCCGGAGCCGGAGCAGCCGCCGCCGCCTCCGCCTCCGCCTCCGCCTCCCCGGGCCGGGGC[C>G]GCCGCCATCACCTCACGAGCCGCGGCGCTGCCCGCCGGCTCCCCGCTCCTGGCCCGCGAG-3'
Protein context (NP_477352.3, residues 1-13): MA[Ala3=]APARGGGGGG